The following is an entry in ClinVar:

NM_012431.3(SEMA3E):c.1520C>T (p.Ser507Phe)

Gene: SEMA3E (semaphorin 3E; minus strand). Cytogenetic location: 7q21.11.
Variant type: single nucleotide variant.
Coding change: c.1520C>T on transcript NM_012431.3 (MANE Select); coding-DNA position 1520, C replaced by T.
Protein change: p.Ser507Phe; replaces serine 507 with phenylalanine.
Molecular consequence: missense variant.
Genome position (GRCh38, 1-based): chr7:83,392,702, G>A on the plus strand (C>T on the coding strand, the complement: SEMA3E is on the minus strand). VCF-style: chr7-83392702-G-A. GRCh37 (hg19) VCF-style: chr7-83022018-G-A.
Other names: c.1340C>T, p.Ser447Phe (NM_001178129.2); c.1520C>T (NM_012431.2); short protein forms S447F, S507F.
Identifiers: ClinVar variation 3768786 (VCV003768786.3).

ClinVar aggregate classification (germline): Uncertain significance. Review status: criteria provided, multiple submitters, no conflicts (2 of 4 stars). 3 submissions from 3 submitters: Uncertain significance (3). Last evaluated 2026-08-18.

Conditions:
SEMA3E-related disorder. Also called: SEMA3E-related condition.
CHARGE syndrome (CHARGE). Also called: Hittner Hirsch Kreh syndrome; CHARGE ASSOCIATION--COLOBOMA, HEART ANOMALY, CHOANAL ATRESIA, RETARDATION, GENITAL AND EAR ANOMALIES; Coloboma, heart anomaly, choanal atresia, retardation, genital and ear anomalies; CHARGE association; Hall-Hittner syndrome. Identifiers: Orphanet 138, MedGen C0265354, MONDO:0008965.

gnomAD v4.1: 2 of 1,613,822 alleles (0.00012%); highest among the groups gnomAD compares: Non-Finnish European, 0.00017%; no homozygotes.

Submissions (3):

PreventionGenetics, part of Exact Sciences
Classification: Uncertain significance for SEMA3E-related condition. Last evaluated: 2026-08-18. Review status: criteria provided, single submitter. Criteria: ACMG Guidelines, 2015. Collection method: clinical testing. Allele origin: germline.
Comment: The SEMA3E c.1520C>T variant is predicted to result in the amino acid substitution p.Ser507Phe. To our knowledge, this variant has not been reported in the literature or in a large population database (gnomAD), indicating this variant is rare. At this time, the clinical significance of this variant is uncertain due to the absence of conclusive functional and genetic evidence.

Labcorp Genetics (formerly Invitae), Labcorp
Classification: Uncertain significance for CHARGE syndrome. Last evaluated: 2025-09-22. Review status: criteria provided, single submitter. Criteria: Invitae Variant Classification Sherloc (09022015). Collection method: clinical testing. Allele origin: germline.
Comment: This sequence change replaces serine, which is neutral and polar, with phenylalanine, which is neutral and non-polar, at codon 507 of the SEMA3E protein (p.Ser507Phe). This variant is not present in population databases (gnomAD no frequency). This variant has not been reported in the literature in individuals affected with SEMA3E-related conditions. ClinVar contains an entry for this variant (Variation ID: 3768786). Invitae Evidence Modeling of protein sequence and biophysical properties (such as structural, functional, and spatial information, amino acid conservation, physicochemical variation, residue mobility, and thermodynamic stability) indicates that this missense variant is not expected to disrupt SEMA3E protein function with a negative predictive value of 80%. In summary, the available evidence is currently insufficient to determine the role of this variant in disease. Therefore, it has been classified as a Variant of Uncertain Significance.

Women's Health and Genetics/Laboratory Corporation of America, LabCorp
Classification: Uncertain significance. Last evaluated: 2025-02-04. Review status: criteria provided, single submitter. Criteria: LabCorp Variant Classification Summary - May 2015. Collection method: clinical testing. Allele origin: germline.
Comment: Variant summary: SEMA3E c.1520C>T (p.Ser507Phe) results in a non-conservative amino acid change located in the Sema domain (IPR001627) of the encoded protein sequence. Three of four in-silico tools predict a damaging effect of the variant on protein function. The variant was absent in 250878 control chromosomes. The available data on variant occurrences in the general population are insufficient to allow any conclusion about variant significance. To our knowledge, no occurrence of c.1520C>T in individuals affected with SEMA3E-Related Disorders and no experimental evidence demonstrating its impact on protein function have been reported. No submitters have cited clinical-significance assessments for this variant to ClinVar. Based on the evidence outlined above, the variant was classified as uncertain significance.